The following is an entry in ClinVar:

NM_000478.6(ALPL):c.116A>G (p.Tyr39Cys)

Gene: ALPL (alkaline phosphatase, biomineralization associated; plus strand). Cytogenetic location: 1p36.12.
Variant type: single nucleotide variant.
Coding change: c.116A>G on transcript NM_000478.6 (MANE Select); coding-DNA position 116, A replaced by G.
Protein change: p.Tyr39Cys; replaces tyrosine 39 with cysteine.
Molecular consequence: missense variant. On other transcripts: 5 prime UTR variant (1), initiator codon variant (1).
Genome position (GRCh38, 1-based): chr1:21,560,680, A>G. VCF-style: chr1-21560680-A-G. GRCh37 (hg19) VCF-style: chr1-21887173-A-G.
Other names: c.-50A>G (NM_001127501.4); c.1A>G, p.Met1Val (NM_001177520.3); c.116A>G, p.Tyr39Cys (NM_001369803.2, NM_001369804.2, NM_001369805.2); c.116A>G (NM_000478.4); short protein forms M1V, Y39C.
Identifiers: ClinVar variation 2439005 (VCV002439005.6), dbSNP rs777235122, ClinGen allele CA666399.

ClinVar aggregate classification (germline): Uncertain significance. Review status: criteria provided, multiple submitters, no conflicts (2 of 4 stars). 4 submissions from 4 submitters: Uncertain significance (4). Last evaluated 2026-09-01.

Conditions:
Hypophosphatasia. Also called: Phosphoethanol-aminuria. Identifiers: Orphanet 436, MedGen C0020630, MeSH D007014, MONDO:0018570.

Allele frequency attached by ClinVar (database versions not stated): gnomAD exomes below 0.00001; gnomAD 0.00002; TOPMed 0.00002; ExAC 0.00003.
gnomAD v4.1: 9 of 1,614,036 alleles (0.00056%); highest among the groups gnomAD compares: East Asian, 0.016%; no homozygotes.

Submissions (4):

Genomenon, Inc
Classification: Uncertain significance for Hypophosphatasia. Last evaluated: 2026-09-01. Review status: criteria provided, single submitter. Criteria: Genomenon Sequence Variant Interpretation Standards - Updated. Collection method: curation. Allele origin: germline. Affected: no.
Comment: ALPL p.Tyr39Cys (c.116A>G) is a missense variant that changes the amino acid at codon 39 from Tyrosine to Cysteine. This variant has been reported in the published literature (PMID:32160374). It is absent or not present at a significant frequency in gnomAD. In conclusion, we classify ALPL p.Tyr39Cys (c.116A>G) as a variant of uncertain significance.

Women's Health and Genetics/Laboratory Corporation of America, LabCorp
Classification: Uncertain significance. Last evaluated: 2026-03-23. Review status: criteria provided, single submitter. Criteria: LabCorp Variant Classification Summary - May 2015. Collection method: clinical testing. Allele origin: germline.
Comment: Variant summary: ALPL c.116A>G (p.Tyr39Cys) results in a non-conservative amino acid change in the encoded protein sequence. Algorithms developed to predict the effect of missense changes on protein structure and function are either unavailable or do not agree on the potential impact of this missense change. The variant allele was found at a frequency of 3.2e-05 in 251472 control chromosomes (gnomAD). The available data on variant occurrences in the general population are insufficient to allow any conclusion about variant significance. To our knowledge, no occurrence of c.116A>G in individuals affected with ALPL-related conditions has been reported. At least one publication reports experimental evidence evaluating an impact on protein function and this variant effect results in decreasing enzymatic activity (Del Angel_HM_2020). The following publication have been ascertained in the context of this evaluation (PMID: 32160374). ClinVar contains an entry for this variant (Variation ID: 2439005). Based on the evidence outlined above, the variant was classified as uncertain significance.

GeneDx
Classification: Uncertain significance. Last evaluated: 2025-02-26. Review status: criteria provided, single submitter. Criteria: GeneDx Variant Classification Process June 2021. Collection method: clinical testing. Allele origin: germline. Affected: yes.
Comment: In silico analysis indicates that this missense variant does not alter protein structure/function; Has not been previously published as pathogenic or benign to our knowledge

Revvity Omics, Revvity
Classification: Uncertain significance. Last evaluated: 2020-10-22. Review status: criteria provided, single submitter. Criteria: ACMG Guidelines, 2015. Collection method: clinical testing. Allele origin: germline.

Literature cited by the submitters: PubMed 32160374 (cited by Genomenon, Inc and Women's Health and Genetics/Laboratory Corporation of America, LabCorp).